The following is an entry in ClinVar:

NM_000435.3(NOTCH3):c.1505C>T (p.Ser502Phe)

Gene: NOTCH3 (notch receptor 3; minus strand). Cytogenetic location: 19p13.12.
Variant type: single nucleotide variant.
Coding change: c.1505C>T on transcript NM_000435.3 (MANE Select); coding-DNA position 1505, C replaced by T.
Protein change: p.Ser502Phe; replaces serine 502 with phenylalanine.
Molecular consequence: missense variant.
Genome position (GRCh38, 1-based): chr19:15,187,982, G>A on the plus strand (C>T on the coding strand, the complement: NOTCH3 is on the minus strand). VCF-style: chr19-15187982-G-A. GRCh37 (hg19) VCF-style: chr19-15298793-G-A.
Other names: short protein forms S502F.
Identifiers: ClinVar variation 994824 (VCV000994824.9), dbSNP rs778571943, ClinGen allele CA9263615.

ClinVar aggregate classification (germline): Uncertain significance. Review status: criteria provided, multiple submitters, no conflicts (2 of 4 stars). 3 submissions from 3 submitters: Uncertain significance (3). Last evaluated 2026-04-01.

Allele frequency attached by ClinVar (database versions not stated): gnomAD 0.00006 and 0.00007; TOPMed 0.00006; gnomAD exomes 0.00008 and 0.00010; ExAC 0.00010.
gnomAD v4.1: 145 of 1,551,050 alleles (0.0093%); highest among the groups gnomAD compares: Non-Finnish European, 0.012%; no homozygotes.

Submissions (3):

CeGaT Center for Human Genetics Tuebingen
Classification: Uncertain significance. Last evaluated: 2026-04-01. Review status: criteria provided, single submitter. Criteria: CeGaT Center For Human Genetics Tuebingen Variant Classification Criteria Version 2. Collection method: clinical testing. Allele origin: germline. Affected: yes. Observed: 1 variant allele.
Comment: NOTCH3: PM1, PM2

Labcorp Genetics (formerly Invitae), Labcorp
Classification: Uncertain significance. Last evaluated: 2025-12-08. Review status: criteria provided, single submitter. Criteria: Invitae Variant Classification Sherloc (09022015). Collection method: clinical testing. Allele origin: germline.
Comment: This sequence change replaces serine, which is neutral and polar, with phenylalanine, which is neutral and non-polar, at codon 502 of the NOTCH3 protein (p.Ser502Phe). This variant is present in population databases (rs778571943, gnomAD 0.01%). This missense change has been observed in individual(s) with clinical features NOTCH3-related conditions (PMID: 30859180, 36133075, 36401683; internal data). ClinVar contains an entry for this variant (Variation ID: 994824). Invitae Evidence Modeling of protein sequence and biophysical properties (such as structural, functional, and spatial information, amino acid conservation, physicochemical variation, residue mobility, and thermodynamic stability) has been performed for this missense variant. However, the output from this modeling did not meet the statistical confidence thresholds required to predict the impact of this variant on NOTCH3 protein function. In summary, the available evidence is currently insufficient to determine the role of this variant in disease. Therefore, it has been classified as a Variant of Uncertain Significance.

Athena Diagnostics
Classification: Uncertain significance. Last evaluated: 2021-03-02. Review status: criteria provided, single submitter. Criteria: Athena Diagnostics criteria. Collection method: clinical testing. Allele origin: unknown.

Literature cited by the submitters: PubMed 30859180 (cited by Labcorp Genetics (formerly Invitae), Labcorp and Athena Diagnostics); PubMed 36133075 (cited by Labcorp Genetics (formerly Invitae), Labcorp); PubMed 36401683 (cited by Labcorp Genetics (formerly Invitae), Labcorp); PubMed 30798277 (cited by Athena Diagnostics); PubMed 22006983 (cited by Athena Diagnostics).